The following is an entry in ClinVar:

NM_001377.3(DYNC2H1):c.868A>G (p.Ile290Val)

Gene: DYNC2H1 (dynein cytoplasmic 2 heavy chain 1; plus strand). Cytogenetic location: 11q22.3.
Variant type: single nucleotide variant.
Coding change: c.868A>G on transcript NM_001377.3 (MANE Select); coding-DNA position 868, A replaced by G.
Protein change: p.Ile290Val; replaces isoleucine 290 with valine.
Molecular consequence: missense variant.
Genome position (GRCh38, 1-based): chr11:103,117,732, A>G. VCF-style: chr11-103117732-A-G. GRCh37 (hg19) VCF-style: chr11-102988461-A-G.
Other names: c.868A>G, p.Ile290Val (NM_001080463.2); short protein forms I290V.
Identifiers: ClinVar variation 3274177 (VCV003274177.3).
Genomic context (GRCh38, chr11:103,117,732, plus strand): 5'-TTGAACCTGTGGGAAGATCCTTATTATCTTGTGAAAGAAAGTCTGAAAGCTGGTATTTCA[A>G]TTTGTGAACAGTGGGTGATAGTCTGTAATCATCTAACAGGTCAGGTGTGGCAGCGCTATG-3'
Protein context (NP_001368.2, residues 280-300): VKESLKAGIS[Ile290Val]CEQWVIVCNH

ClinVar aggregate classification (germline): Uncertain significance. Review status: criteria provided, multiple submitters, no conflicts (2 of 4 stars). 2 submissions from 2 submitters: Uncertain significance (2). Last evaluated 2024-03-28.

Conditions:
Jeune thoracic dystrophy. Also called: Short-rib thoracic dysplasia; Jeune syndrome; Infantile thoracic dystrophy; Thoracic pelvic phalangeal dystrophy; Jeune's syndrome; Chondroectodermal dysplasia-like syndrome. Identifiers: Orphanet 474, MedGen C0265275, MONDO:0018770.
Inborn genetic diseases. Identifiers: MedGen C0950123, MeSH D030342.

gnomAD v4.1: 47 of 1,613,154 alleles (0.0029%); highest among the groups gnomAD compares: Non-Finnish European, 0.0037%; no homozygotes.

Submissions (2):

Ambry Genetics
Classification: Uncertain significance for Inborn genetic diseases. Last evaluated: 2024-03-28. Review status: criteria provided, single submitter. Criteria: Ambry Variant Classification Scheme 2023. Collection method: clinical testing. Allele origin: germline.

Labcorp Genetics (formerly Invitae), Labcorp
Classification: Uncertain significance for Jeune thoracic dystrophy. Last evaluated: 2024-03-23. Review status: criteria provided, single submitter. Criteria: Invitae Variant Classification Sherloc (09022015). Collection method: clinical testing. Allele origin: germline.
Comment: This sequence change replaces isoleucine, which is neutral and non-polar, with valine, which is neutral and non-polar, at codon 290 of the DYNC2H1 protein (p.Ile290Val). This variant is present in population databases (no rsID available, gnomAD 0.004%). This variant has not been reported in the literature in individuals affected with DYNC2H1-related conditions. Advanced modeling of protein sequence and biophysical properties (such as structural, functional, and spatial information, amino acid conservation, physicochemical variation, residue mobility, and thermodynamic stability) performed at Invitae indicates that this missense variant is not expected to disrupt DYNC2H1 protein function with a negative predictive value of 95%. In summary, the available evidence is currently insufficient to determine the role of this variant in disease. Therefore, it has been classified as a Variant of Uncertain Significance.